The following is an entry in ClinVar:

ClinVar aggregate classification (germline): Uncertain significance. Review status: criteria provided, multiple submitters, no conflicts (2 of 4 stars). 2 submissions from 2 submitters: Uncertain significance (2). Last evaluated 2024-10-07.

Allele frequency attached by ClinVar (database versions not stated): gnomAD exomes 0.00001; TOPMed 0.00002; gnomAD 0.00004.
gnomAD v4.1: 18 of 1,590,750 alleles (0.0011%); highest among the groups gnomAD compares: East Asian, 0.0022%; no homozygotes.

Submissions (2):

Labcorp Genetics (formerly Invitae), Labcorp
Classification: Uncertain significance. Last evaluated: 2024-10-07. Review status: criteria provided, single submitter. Criteria: Invitae Variant Classification Sherloc (09022015). Collection method: clinical testing. Allele origin: germline.
Comment: This sequence change replaces proline, which is neutral and non-polar, with leucine, which is neutral and non-polar, at codon 261 of the KL protein (p.Pro261Leu). This variant is present in population databases (rs770828898, gnomAD 0.01%). This variant has not been reported in the literature in individuals affected with KL-related conditions. ClinVar contains an entry for this variant (Variation ID: 1450925). Invitae Evidence Modeling of protein sequence and biophysical properties (such as structural, functional, and spatial information, amino acid conservation, physicochemical variation, residue mobility, and thermodynamic stability) indicates that this missense variant is not expected to disrupt KL protein function with a negative predictive value of 80%. In summary, the available evidence is currently insufficient to determine the role of this variant in disease. Therefore, it has been classified as a Variant of Uncertain Significance.

Ambry Genetics
Classification: Uncertain significance. Last evaluated: 2023-06-06. Review status: criteria provided, single submitter. Criteria: Ambry Variant Classification Scheme 2023. Collection method: clinical testing. Allele origin: germline.

NM_004795.4(KL):c.782C>T (p.Pro261Leu)

Genes: KL (klotho; plus strand), LOC130009539 (ATAC-STARR-seq lymphoblastoid silent region 5254; plus strand). Cytogenetic location: 13q13.1.
Variant type: single nucleotide variant.
Coding change: c.782C>T on transcript NM_004795.4 (MANE Select); coding-DNA position 782, C replaced by T.
Protein change: p.Pro261Leu; replaces proline 261 with leucine.
Molecular consequence: missense variant.
Genome position (GRCh38, 1-based): chr13:33,017,222, C>T. VCF-style: chr13-33017222-C-T. GRCh37 (hg19) VCF-style: chr13-33591360-C-T.
Other names: c.782C>T (NM_004795.3); short protein forms P261L.
Identifiers: ClinVar variation 1450925 (VCV001450925.11), dbSNP rs770828898, ClinGen allele CA6943956.
Genomic context (GRCh38, chr13:33,017,222, plus strand): 5'-ACGTGGTGGCCTGGCACGGCTACGCCACCGGGCGCCTGGCCCCCGGCATCCGGGGCAGCC[C>T]GCGGCTCGGGTACCTGGTGGCGCACAACCTCCTCCTGGTGAGTGCGAGGGGCCAGGCGGA-3'
Protein context (NP_004786.2, residues 251-271): GRLAPGIRGS[Pro261Leu]RLGYLVAHNL